The following is an entry in ClinVar:

NM_007194.4(CHEK2):c.-1G>A

Gene: CHEK2 (checkpoint kinase 2; minus strand). Cytogenetic location: 22q12.1.
Variant type: single nucleotide variant.
Coding change: c.-1G>A on transcript NM_007194.4 (MANE Select); 1 bases upstream of the start codon, G replaced by A.
Molecular consequence: 5 prime UTR variant.
Genome position (GRCh38, 1-based): chr22:28,734,722, C>T on the plus strand (G>A on the coding strand, the complement: CHEK2 is on the minus strand). VCF-style: chr22-28734722-C-T. GRCh37 (hg19) VCF-style: chr22-29130710-C-T.
Other names: c.-1G>A (NM_001005735.3, NM_001349956.3, NM_145862.3); c.-778G>A (NM_001257387.3).
Identifiers: ClinVar variation 1784207 (VCV001784207.2), dbSNP rs2146157575, ClinGen allele CA2580099483.
Genomic context (GRCh38, chr22:28,734,722, plus strand): 5'-CTGTGAACAGGCACTGCTGCCATGAGACTGCTGAGCCTCAACATCCGACTCCCGAGACAT[C>T]ACGACCTCAAAAAGAAAGTGTCCAACAACAAAGGTGAGTTTCAAGGCACAAGACTTAAAA-3'

ClinVar aggregate classification (germline): Uncertain significance (1 of 4 stars; one submission).

Conditions:
Hereditary cancer-predisposing syndrome. Also called: Neoplastic Syndromes, Hereditary; Tumor predisposition; Hereditary Cancer Syndrome; Hereditary neoplastic syndrome. Identifiers: Orphanet 140162, MedGen C0027672, MeSH D009386, MONDO:0015356.

Submission:

Ambry Genetics
Classification: Uncertain significance for Hereditary cancer-predisposing syndrome. Last evaluated: 2022-05-12. Review status: criteria provided, single submitter. Criteria: Ambry Variant Classification Scheme 2023. Collection method: clinical testing. Allele origin: germline.
Comment: The c.-1G>A variant is located in the 5' untranslated region (5&rsquo; UTR) of the CHEK2 gene. This variant results from a G to A substitution 1 bases upstream from the first translated codon. This nucleotide position is well conserved in available vertebrate species. Since supporting evidence is limited at this time, the clinical significance of this alteration remains unclear.